The following is an entry in ClinVar:

NM_206965.2(FTCD):c.1312G>A (p.Ala438Thr)

Gene: FTCD (formimidoyltransferase cyclodeaminase; minus strand). Cytogenetic location: 21q22.3.
Variant type: single nucleotide variant.
Coding change: c.1312G>A on transcript NM_206965.2 (MANE Select); coding-DNA position 1312, G replaced by A.
Protein change: p.Ala438Thr; replaces alanine 438 with threonine.
Molecular consequence: missense variant.
Genome position (GRCh38, 1-based): chr21:46,138,639, C>T on the plus strand (G>A on the coding strand, the complement: FTCD is on the minus strand). VCF-style: chr21-46138639-C-T. GRCh37 (hg19) VCF-style: chr21-47558553-C-T.
Other names: c.1312G>A, p.Ala438Thr (NM_001320412.2, NM_006657.3); short protein forms A438T.
Identifiers: ClinVar variation 645399 (VCV000645399.8), dbSNP rs1162672679, ClinGen allele CA410559496.

ClinVar aggregate classification (germline): Uncertain significance (1 of 4 stars; one submission).

Conditions:
Glutamate formiminotransferase deficiency. Also called: Formiminoglutamic aciduria; Arakawa syndrome 1. Identifiers: Orphanet 51208, MedGen C0268609, MONDO:0009240, OMIM 229100.

Allele frequency attached by ClinVar (database versions not stated): TOPMed below 0.00001.

Submission:

Labcorp Genetics (formerly Invitae), Labcorp
Classification: Uncertain significance for Glutamate formiminotransferase deficiency. Last evaluated: 2022-07-05. Review status: criteria provided, single submitter. Criteria: Invitae Variant Classification Sherloc (09022015). Collection method: clinical testing. Allele origin: germline.
Comment: This sequence change replaces alanine, which is neutral and non-polar, with threonine, which is neutral and polar, at codon 438 of the FTCD protein (p.Ala438Thr). This variant is not present in population databases (gnomAD no frequency). This variant has not been reported in the literature in individuals affected with FTCD-related conditions. ClinVar contains an entry for this variant (Variation ID: 645399). Algorithms developed to predict the effect of missense changes on protein structure and function output the following: SIFT: "Tolerated"; PolyPhen-2: "Benign"; Align-GVGD: "Class C0". The threonine amino acid residue is found in multiple mammalian species, which suggests that this missense change does not adversely affect protein function. In summary, the available evidence is currently insufficient to determine the role of this variant in disease. Therefore, it has been classified as a Variant of Uncertain Significance.